The following is an entry in ClinVar:

ClinVar aggregate classification (germline): Likely benign. Review status: criteria provided, single submitter (1 of 4 stars). 2 submissions from 2 submitters: Likely benign (1). 1 of the submissions does not count toward it. Last evaluated 2024-10-07.

Conditions:
CIC-related disorder. Also called: CIC-related condition.

Allele frequency attached by ClinVar (database versions not stated): gnomAD exomes 0.00002; gnomAD 0.00003; TOPMed 0.00004.
gnomAD v4.1: 10 of 399,270 alleles (0.0025%); highest among the groups gnomAD compares: African/African-American, 0.0041%; no homozygotes.

Submissions (2):

Women's Health and Genetics/Laboratory Corporation of America, LabCorp
Classification: Likely benign. Last evaluated: 2024-10-07. Review status: criteria provided, single submitter. Criteria: LabCorp Variant Classification Summary - May 2015. Collection method: clinical testing. Allele origin: germline.
Comment: Variant summary: CIC c.-12760C>T is located in the untranscribed region upstream of the CIC gene region (NM_015125.5). In a different transcript (NM_001304815.1) this variant corresponds to a synonymous variant c.162C>T (p.Ser54=). Consensus agreement among computation tools predict no significant impact on normal splicing. However, these predictions have yet to be confirmed by functional studies. The variant allele was found at a frequency of 2.5e-05 in 396732 control chromosomes (i.e. in 10 carriers; gnomAD v4).To our knowledge, no occurrence of c.-12760C>T in individuals affected with Mental Retardation, Autosomal Dominant 45 and no experimental evidence demonstrating its impact on protein function have been reported. ClinVar contains an entry for this variant (Variation ID: 3038207). Based on the evidence outlined above, the variant was classified as likely benign.

PreventionGenetics, part of Exact Sciences
Classification: Likely benign for CIC-related condition. Last evaluated: 2019-05-15. Review status: no assertion criteria provided. Collection method: clinical testing. Allele origin: germline. Not counted in ClinVar's aggregate classification.
Comment: This variant is classified as likely benign based on ACMG/AMP sequence variant interpretation guidelines (Richards et al. 2015 PMID: 25741868, with internal and published modifications).

NM_001386298.1(CIC):c.162C>T (p.Ser54=)

Gene: CIC (capicua transcriptional repressor; plus strand). Cytogenetic location: 19q13.2.
Variant type: single nucleotide variant.
Coding change: c.162C>T on transcript NM_001386298.1 (MANE Select); coding-DNA position 162, C replaced by T.
Protein change: p.Ser54=; no amino-acid change (serine 54 retained).
Molecular consequence: synonymous variant.
Genome position (GRCh38, 1-based): chr19:42,271,945, C>T. VCF-style: chr19-42271945-C-T. GRCh37 (hg19) VCF-style: chr19-42776097-C-T.
Other names: c.162C>T, p.Ser54= (NM_001304815.2, NM_001379480.1, NM_001379482.1 and 1 more transcripts); c.-12760C>T (NM_015125.5).
Identifiers: ClinVar variation 3038207 (VCV003038207.3), dbSNP rs370924769, ClinGen allele CA308614349.